The following is an entry in ClinVar:

ClinVar aggregate classification (germline): Uncertain significance. Review status: criteria provided, multiple submitters, no conflicts (2 of 4 stars). 2 submissions from 2 submitters: Uncertain significance (2). Last evaluated 2025-04-23.

Conditions:
Amyotrophic lateral sclerosis type 4 (ALS4). Also called: AMYOTROPHIC LATERAL SCLEROSIS 4, JUVENILE; NEURONOPATHY, DISTAL HEREDITARY MOTOR, WITH PYRAMIDAL FEATURES. Identifiers: Orphanet 357043, MedGen C1865409, MONDO:0011223, OMIM 602433.
Spinocerebellar ataxia, autosomal recessive, with axonal neuropathy 2 (SCAN2). Also called: Ataxia with Oculomotor Apraxia; ATAXIA-OCULOMOTOR APRAXIA 2; Ataxia with Oculomotor Apraxia Type 2; Ataxia-ocular apraxia-2. Identifiers: Orphanet 64753, MedGen C1853761, MONDO:0018996, OMIM 606002.

Allele frequency attached by ClinVar (database versions not stated): gnomAD 0.00001; TOPMed 0.00001.
gnomAD v4.1: 1 of 1,613,772 alleles (0.000062%); highest among the groups gnomAD compares: African/African-American, 0.0013%; no homozygotes.

Submissions (2):

Labcorp Genetics (formerly Invitae), Labcorp
Classification: Uncertain significance for Amyotrophic lateral sclerosis type 4; Spinocerebellar ataxia, autosomal recessive, with axonal neuropathy 2. Last evaluated: 2025-04-23. Review status: criteria provided, single submitter. Criteria: Invitae Variant Classification Sherloc (09022015). Collection method: clinical testing. Allele origin: germline.
Comment: This sequence change replaces threonine, which is neutral and polar, with arginine, which is basic and polar, at codon 900 of the SETX protein (p.Thr900Arg). This variant is not present in population databases (gnomAD no frequency). This variant has not been reported in the literature in individuals affected with SETX-related conditions. ClinVar contains an entry for this variant (Variation ID: 1807020). Invitae Evidence Modeling of protein sequence and biophysical properties (such as structural, functional, and spatial information, amino acid conservation, physicochemical variation, residue mobility, and thermodynamic stability) indicates that this missense variant is not expected to disrupt SETX protein function with a negative predictive value of 95%. In summary, the available evidence is currently insufficient to determine the role of this variant in disease. Therefore, it has been classified as a Variant of Uncertain Significance.

Athena Diagnostics
Classification: Uncertain significance. Last evaluated: 2021-07-22. Review status: criteria provided, single submitter. Criteria: Athena Diagnostics Criteria. Collection method: clinical testing. Allele origin: unknown.

NM_015046.7(SETX):c.2699C>G (p.Thr900Arg)

Gene: SETX (senataxin; minus strand). Cytogenetic location: 9q34.13.
Variant type: single nucleotide variant.
Coding change: c.2699C>G on transcript NM_015046.7 (MANE Select); coding-DNA position 2699, C replaced by G.
Protein change: p.Thr900Arg; replaces threonine 900 with arginine.
Molecular consequence: missense variant.
Genome position (GRCh38, 1-based): chr9:132,328,899, G>C on the plus strand (C>G on the coding strand, the complement: SETX is on the minus strand). VCF-style: chr9-132328899-G-C. GRCh37 (hg19) VCF-style: chr9-135204286-G-C.
Other names: c.2699C>G, p.Thr900Arg (NM_001351527.2, NM_001351528.2); short protein forms T900R.
Identifiers: ClinVar variation 1807020 (VCV001807020.2), dbSNP rs1355909107, ClinGen allele CA375334331.